The following is an entry in ClinVar:

ClinVar aggregate classification (germline): Conflicting classifications of pathogenicity. Review status: criteria provided, conflicting classifications (1 of 4 stars). 5 submissions from 5 submitters: Uncertain significance (3); Likely benign (2). Last evaluated 2026-01-06.

Conditions:
TTN-related disorder. Also called: TTN-related condition; TTN-related disease; TTN-related disorders.
Primary dilated cardiomyopathy (DCM). Also called: Dilated Cardiomyopathy. Identifiers: Orphanet 217604, MedGen C0007193, MeSH D002311, MONDO:0005021, HP:0001644. Inheritance: Various modes of inheritance.

Allele frequency attached by ClinVar (database versions not stated): TOPMed 0.00001; gnomAD 0.00002; gnomAD exomes 0.00003.
gnomAD v4.1: 31 of 1,502,090 alleles (0.0021%); highest among the groups gnomAD compares: South Asian, 0.021%; no homozygotes.

Submissions (5):

PreventionGenetics, part of Exact Sciences
Classification: Uncertain significance for TTN-related condition. Last evaluated: 2026-01-06. Review status: criteria provided, single submitter. Criteria: ACMG Guidelines, 2015. Collection method: clinical testing. Allele origin: germline.
Comment: The TTN c.26765G>A variant is predicted to result in the amino acid substitution p.Arg8922Gln. This variant has been reported in individuals with dilated cardiomyopathy (described as p.Arg7678Gln in Table S1, Pugh et al. 2014. PubMed ID: 24503780; Table S2b, Al-Shafai et al. 2021. PubMed ID: 34137518). This variant is reported in 0.018% of alleles in individuals of African descent in gnomAD. At this time, the clinical significance of this variant is uncertain due to the absence of conclusive functional and genetic evidence.

Mayo Clinic Laboratories, Mayo Clinic
Classification: Uncertain significance. Last evaluated: 2022-03-21. Review status: criteria provided, single submitter. Criteria: ACMG Guidelines, 2015. Collection method: clinical testing. Allele origin: germline. Observed: 1 variant allele.
Comment: BP4, PM2

GeneDx
Classification: Likely benign. Last evaluated: 2018-07-03. Review status: criteria provided, single submitter. Criteria: GeneDx Variant Classification Process June 2021. Collection method: clinical testing. Allele origin: germline. Affected: yes.

Laboratory for Molecular Medicine, Mass General Brigham Personalized Medicine
Classification: Uncertain significance. Last evaluated: 2012-05-31. Review status: criteria provided, single submitter. Criteria: LMM Criteria. Collection method: clinical testing. Allele origin: germline. Observed: 1 variant allele.
Comment: The Arg7678Gln variant in TTN has not been reported in the literature nor previo usly identified by our laboratory. Computational analyses (biochemical amino aci d properties, conservation, PolyPhen2, and SIFT) do not provide suport for or ag ainst an impact to the protein, though this information is not predictive enough to determine pathogenicity. Additional information is needed to fully assess th e clinical significance of the Arg7678Gln variant.

Genetics and Genomics Program, Sidra Medicine
Classification: Likely benign for Primary dilated cardiomyopathy. Review status: criteria provided, single submitter. Criteria: ACMG Guidelines, 2015. Collection method: research. Allele origin: unknown. Affected: yes. Observed: 1 variant allele.

NM_001267550.2(TTN):c.26765G>A (p.Arg8922Gln)

Gene: TTN (titin; minus strand). Cytogenetic location: 2q31.2.
Variant type: single nucleotide variant.
Coding change: c.26765G>A on transcript NM_001267550.2 (MANE Select); coding-DNA position 26765, G replaced by A.
Protein change: p.Arg8922Gln; replaces arginine 8922 with glutamine.
Molecular consequence: missense variant. On other transcripts: intron variant (3).
Genome position (GRCh38, 1-based): chr2:178,713,369, C>T on the plus strand (G>A on the coding strand, the complement: TTN is on the minus strand). VCF-style: chr2-178713369-C-T. GRCh37 (hg19) VCF-style: chr2-179578096-C-T.
Other names: c.25814G>A, p.Arg8605Gln (NM_001256850.1); c.13282+24713G>A (NM_003319.4); c.13858+24713G>A (NM_133437.4); c.13657+24713G>A (NM_133432.3); c.23033G>A, p.Arg7678Gln (NM_133378.4); short protein forms R8922Q, R7678Q, R8605Q.
Identifiers: ClinVar variation 46790 (VCV000046790.11), dbSNP rs397517520, ClinGen allele CA139194.